The following is an entry in ClinVar:

NM_003884.5(KAT2B):c.363C>A (p.Pro121=)

Gene: KAT2B (lysine acetyltransferase 2B; plus strand). Cytogenetic location: 3p24.3.
Variant type: single nucleotide variant.
Coding change: c.363C>A on transcript NM_003884.5 (MANE Select); coding-DNA position 363, C replaced by A.
Protein change: p.Pro121=; no amino-acid change (proline 121 retained).
Molecular consequence: synonymous variant.
Genome position (GRCh38, 1-based): chr3:20,072,392, C>A. VCF-style: chr3-20072392-C-A. GRCh37 (hg19) VCF-style: chr3-20113884-C-A.
Identifiers: ClinVar variation 3042621 (VCV003042621.2), dbSNP rs555906565, ClinGen allele CA2284337.

ClinVar aggregate classification (germline): Likely benign (0 of 4 stars; one submission).

Conditions:
KAT2B-related disorder. Also called: KAT2B-related condition.

Allele frequency attached by ClinVar (database versions not stated): gnomAD 0.00005; ExAC 0.00006; 1000 Genomes Project 30x 0.00016; 1000 Genomes Project 0.00020.
gnomAD v4.1: 50 of 1,613,416 alleles (0.0031%); highest among the groups gnomAD compares: East Asian, 0.033%; no homozygotes.

Submission:

PreventionGenetics, part of Exact Sciences
Classification: Likely benign for KAT2B-related condition. Last evaluated: 2019-07-01. Review status: no assertion criteria provided. Collection method: clinical testing. Allele origin: germline.
Comment: This variant is classified as likely benign based on ACMG/AMP sequence variant interpretation guidelines (Richards et al. 2015 PMID: 25741868, with internal and published modifications).